The following is an entry in ClinVar:

NM_004985.5(KRAS):c.411T>C (p.Tyr137=)

Gene: KRAS (KRAS proto-oncogene, GTPase; minus strand). Cytogenetic location: 12p12.1.
Variant type: single nucleotide variant.
Coding change: c.411T>C on transcript NM_004985.5 (MANE Select); coding-DNA position 411, T replaced by C.
Protein change: p.Tyr137=; no amino-acid change (tyrosine 137 retained).
Molecular consequence: synonymous variant.
Genome position (GRCh38, 1-based): chr12:25,225,653, A>G on the plus strand (T>C on the coding strand, the complement: KRAS is on the minus strand). VCF-style: chr12-25225653-A-G. GRCh37 (hg19) VCF-style: chr12-25378587-A-G.
Other names: c.411T>C (NM_004985.4); c.411T>C, p.Tyr137= (NM_001369786.1, NM_001369787.1, NM_033360.4).
Identifiers: ClinVar variation 1218871 (VCV001218871.14), dbSNP rs752731198, ClinGen allele CA6486882.
Genomic context (GRCh38, chr12:25,225,653, plus strand): 5'-ATTTATTTCAGTGTTACTTACCTGTCTTGTCTTTGCTGATGTTTCAATAAAAGGAATTCC[A>G]TAACTTCTTGCTAAGTCCTGAGCCTGTTTTGTGTCTACTGTTCTAGAAGGCAAATCACAT-3'
Protein context (NP_004976.2, residues 127-147): TKQAQDLARS[Tyr137=]GIPFIETSAK

ClinVar aggregate classification (germline): Likely benign. Review status: criteria provided, multiple submitters, no conflicts (2 of 4 stars). 4 submissions from 4 submitters: Likely benign (3). 1 of the submissions does not count toward it. Last evaluated 2026-01-14.

Conditions:
KRAS-related disorder. Also called: KRAS-related disorders; KRAS-related condition.
RASopathy. Also called: rasopathies; Noonan spectrum disorder. Identifiers: Orphanet 536391, MedGen C5555857, MONDO:0021060.
Cardiovascular phenotype. Identifiers: MedGen CN230736.

Allele frequency attached by ClinVar (database versions not stated): gnomAD exomes 0.00001; TOPMed 0.00001; ExAC 0.00002.
gnomAD v4.1: 11 of 1,613,274 alleles (0.00068%); highest among the groups gnomAD compares: South Asian, 0.0044%; no homozygotes.

Submissions (4):

Labcorp Genetics (formerly Invitae), Labcorp
Classification: Likely benign for RASopathy. Last evaluated: 2026-01-14. Review status: criteria provided, single submitter. Criteria: Invitae Variant Classification Sherloc (09022015). Collection method: clinical testing. Allele origin: germline.

Ambry Genetics
Classification: Likely benign for Cardiovascular phenotype. Last evaluated: 2024-10-15. Review status: criteria provided, single submitter. Criteria: Ambry Variant Classification Scheme 2023. Collection method: clinical testing. Allele origin: germline.

GeneDx
Classification: Likely benign. Last evaluated: 2020-10-08. Review status: criteria provided, single submitter. Criteria: GeneDx Variant Classification Process June 2021. Collection method: clinical testing. Allele origin: germline. Affected: yes.

PreventionGenetics, part of Exact Sciences
Classification: Likely benign for KRAS-related condition. Last evaluated: 2020-09-04. Review status: no assertion criteria provided. Collection method: clinical testing. Allele origin: germline. Not counted in ClinVar's aggregate classification.
Comment: This variant is classified as likely benign based on ACMG/AMP sequence variant interpretation guidelines (Richards et al. 2015 PMID: 25741868, with internal and published modifications).